The following is an entry in ClinVar:

NM_020937.4(FANCM):c.4815T>G (p.Ser1605Arg)

Gene: FANCM (FA complementation group M; plus strand). Cytogenetic location: 14q21.2.
Variant type: single nucleotide variant.
Coding change: c.4815T>G on transcript NM_020937.4 (MANE Select); coding-DNA position 4815, T replaced by G.
Protein change: p.Ser1605Arg; replaces serine 1605 with arginine.
Molecular consequence: missense variant.
Genome position (GRCh38, 1-based): chr14:45,188,837, T>G. VCF-style: chr14-45188837-T-G. GRCh37 (hg19) VCF-style: chr14-45658040-T-G.
Other names: c.4737T>G, p.Ser1579Arg (NM_001308133.2); short protein forms S1579R, S1605R.
Identifiers: ClinVar variation 4022833 (VCV004022833.1).
Genomic context (GRCh38, chr14:45,188,837, plus strand): 5'-AAACATTCTTGTGTTTTTATTGTAGATTCCTGAACAAGATGAAACCTATTTAGAGGATAG[T>G]TTTTGTGTTGATGAAGAGGAGTCTTGCAAAGGCCAATCAAGTGAAGAAGAAGTTTGTGTT-3'
Protein context (NP_065988.1, residues 1595-1615): PEQDETYLED[Ser1605Arg]FCVDEEESCK

ClinVar aggregate classification (germline): Uncertain significance (1 of 4 stars; one submission).

Conditions:
Inborn genetic diseases. Identifiers: MedGen C0950123, MeSH D030342.

Submission:

Ambry Genetics
Classification: Uncertain significance for Inborn genetic diseases. Last evaluated: 2025-05-31. Review status: criteria provided, single submitter. Criteria: Ambry Variant Classification Scheme 2023. Collection method: clinical testing. Allele origin: germline.
Comment: The p.S1605R variant (also known as c.4815T>G), located in coding exon 20 of the FANCM gene, results from a T to G substitution at nucleotide position 4815. The serine at codon 1605 is replaced by arginine, an amino acid with dissimilar properties. This amino acid position is conserved. In addition, the in silico prediction for this alteration is inconclusive. Based on the available evidence, the clinical significance of this variant remains unclear.